The following is an entry in ClinVar:

ClinVar aggregate classification (germline): Conflicting classifications of pathogenicity. Review status: criteria provided, conflicting classifications (1 of 4 stars). 3 submissions from 3 submitters: Likely pathogenic (1); Uncertain significance (2). Last evaluated 2026-08-18.

Conditions:
Autosomal recessive osteopetrosis 4. Also called: CLCN7-Related Osteopetrosis; infantile malignant CLCN7-related recessive osteopetrosis. Identifiers: Orphanet 667, MedGen C1969106, MONDO:0012676, OMIM 611490.
Inborn genetic diseases. Identifiers: MedGen C0950123, MeSH D030342.

Allele frequency attached by ClinVar (database versions not stated): TOPMed below 0.00001.
gnomAD v4.1: 6 of 1,566,150 alleles (0.00038%); highest among the groups gnomAD compares: Non-Finnish European, 0.00052%; no homozygotes.

Submissions (3):

Ambry Genetics
Classification: Uncertain significance for Inborn genetic diseases. Last evaluated: 2026-08-18. Review status: criteria provided, single submitter. Criteria: Ambry Variant Classification Scheme 2023. Collection method: clinical testing. Allele origin: germline.

Labcorp Genetics (formerly Invitae), Labcorp
Classification: Uncertain significance. Last evaluated: 2023-09-17. Review status: criteria provided, single submitter. Criteria: Invitae Variant Classification Sherloc (09022015). Collection method: clinical testing. Allele origin: germline.
Comment: ClinVar contains an entry for this variant (Variation ID: 807386). In summary, the available evidence is currently insufficient to determine the role of this variant in disease. Therefore, it has been classified as a Variant of Uncertain Significance. An algorithm developed to predict the effect of missense changes on protein structure and function (PolyPhen-2) suggests that this variant is likely to be disruptive. This variant has not been reported in the literature in individuals affected with CLCN7-related conditions. This variant is not present in population databases (gnomAD no frequency). This sequence change replaces arginine, which is basic and polar, with histidine, which is basic and polar, at codon 280 of the CLCN7 protein (p.Arg280His).

Institute of Human Genetics Munich, TUM University Hospital
Classification: Likely pathogenic for Autosomal recessive osteopetrosis 4. Last evaluated: 2018-05-25. Review status: criteria provided, single submitter. Criteria: Classification criteria August 2017. Collection method: clinical testing. Allele origin: inherited. Inheritance: Autosomal recessive inheritance. Affected: yes. Observed: 1 homozygote.

NM_001287.6(CLCN7):c.839G>A (p.Arg280His)

Gene: CLCN7 (Cl-/H+ antiporter 7; minus strand). Cytogenetic location: 16p13.3.
Variant type: single nucleotide variant.
Coding change: c.839G>A on transcript NM_001287.6 (MANE Select); coding-DNA position 839, G replaced by A.
Protein change: p.Arg280His; replaces arginine 280 with histidine.
Molecular consequence: missense variant.
Genome position (GRCh38, 1-based): chr16:1,456,190, C>T on the plus strand (G>A on the coding strand, the complement: CLCN7 is on the minus strand). VCF-style: chr16-1456190-C-T. GRCh37 (hg19) VCF-style: chr16-1506191-C-T.
Other names: c.839G>A (NM_001287.4); c.767G>A, p.Arg256His (NM_001114331.3); short protein forms R256H, R280H.
Identifiers: ClinVar variation 807386 (VCV000807386.7), dbSNP rs1163577336, ClinGen allele CA394190457.